The following is an entry in ClinVar:

ClinVar aggregate classification (germline): Benign. Review status: criteria provided, multiple submitters, no conflicts (2 of 4 stars). 4 submissions from 4 submitters: Benign (4). Last evaluated 2026-01-27.

Conditions:
Spastic paraplegia. Identifiers: MedGen C0037772, HP:0001258.
Hereditary spastic paraplegia 33. Also called: SPASTIC PARAPLEGIA 33, AUTOSOMAL DOMINANT. Identifiers: MedGen C1853251, MONDO:0012448, OMIM 610244.

Allele frequency attached by ClinVar (database versions not stated): gnomAD exomes 0.00591 and 0.01420; ExAC 0.01676; gnomAD 0.04277 and 0.04525; ESP Exome Variant Server 0.04606; TOPMed 0.04811; 1000 Genomes Project 0.05871; 1000 Genomes Project 30x 0.06168.
gnomAD v4.1: 15,606 of 1,613,806 alleles (0.97%); highest among the groups gnomAD compares: African/African-American, 14%; 859 homozygotes.

Submissions (4):

Labcorp Genetics (formerly Invitae), Labcorp
Classification: Benign for Spastic paraplegia. Last evaluated: 2026-01-27. Review status: criteria provided, single submitter. Criteria: Invitae Variant Classification Sherloc (09022015). Collection method: clinical testing. Allele origin: germline.

Genome-Nilou Lab
Classification: Benign for Hereditary spastic paraplegia 33. Last evaluated: 2021-12-05. Review status: criteria provided, single submitter. Criteria: ACMG Guidelines, 2015. Collection method: clinical testing. Allele origin: germline. Affected: no.

Illumina Laboratory Services, Illumina
Classification: Benign for Hereditary spastic paraplegia 33. Last evaluated: 2018-01-12. Review status: criteria provided, single submitter. Criteria: ICSL Variant Classification Criteria 13 December 2019. Collection method: clinical testing. Allele origin: germline.
Comment: This variant was observed in the ICSL laboratory as part of a predisposition screen in an ostensibly healthy population. It had not been previously curated by ICSL or reported in the Human Gene Mutation Database (HGMD: prior to June 1st, 2018), and was therefore a candidate for classification through an automated scoring system. Utilizing variant allele frequency, disease prevalence and penetrance estimates, and inheritance mode, an automated score was calculated to assess if this variant is too frequent to cause the disease. Based on the score and internal cut-off values, a variant classified as benign is not then subjected to further curation. The score for this variant resulted in a classification of benign for this disease.

Breakthrough Genomics
Classification: Benign. Review status: criteria provided, single submitter. Criteria: ACMG Guidelines, 2015. Collection method: not provided. Allele origin: germline. Inheritance: Autosomal dominant inheritance. Affected: yes.

NM_001385875.1(ZFYVE27):c.456-12C>T

Gene: ZFYVE27 (zinc finger FYVE-type containing 27; plus strand). Cytogenetic location: 10q24.2.
Variant type: single nucleotide variant.
Coding change: c.456-12C>T on transcript NM_001385875.1 (MANE Select); 12 bases into the intron before coding-DNA position 456, C replaced by T.
Molecular consequence: intron variant.
Genome position (GRCh38, 1-based): chr10:97,748,257, C>T. VCF-style: chr10-97748257-C-T. GRCh37 (hg19) VCF-style: chr10-99508014-C-T.
Other names: c.495-12C>T (NM_001385876.1); c.456-12C>T (NM_001385871.1, NM_001385879.1, NM_144588.7 and 8 more transcripts); c.219-12C>T (NM_001385903.1, NM_001385899.1, NM_001385904.1 and 2 more transcripts); c.198-12C>T (NM_001385902.1, NM_001385908.1, NM_001385901.1 and 3 more transcripts); c.252-12C>T (NM_001385890.1, NM_001385895.1, NM_001385897.1 and 6 more transcripts); c.360-12C>T (NM_001385888.1, NM_001385885.1, NM_001385887.1 and 1 more transcripts); c.162-12C>T (NM_001385915.1, NM_001174121.2); c.456-1217C>T (NM_001385886.1, NM_001385889.1); and 4 more.
Identifiers: ClinVar variation 301832 (VCV000301832.14), dbSNP rs12264401, ClinGen allele CA5635179.